The following is an entry in ClinVar:

NM_001136191.3(KANK2):c.1194C>T (p.Asn398=)

Gene: KANK2 (KN motif and ankyrin repeat domains 2; minus strand). Cytogenetic location: 19p13.2.
Variant type: single nucleotide variant.
Coding change: c.1194C>T on transcript NM_001136191.3 (MANE Select); coding-DNA position 1194, C replaced by T.
Protein change: p.Asn398=; no amino-acid change (asparagine 398 retained).
Molecular consequence: synonymous variant.
Genome position (GRCh38, 1-based): chr19:11,192,886, G>A on the plus strand (C>T on the coding strand, the complement: KANK2 is on the minus strand). VCF-style: chr19-11192886-G-A. GRCh37 (hg19) VCF-style: chr19-11303562-G-A.
Other names: c.1194C>T, p.Asn398= (NM_001329451.2, NM_001379548.1, NM_001379549.1 and 15 more transcripts).
Identifiers: ClinVar variation 2163329 (VCV002163329.28), dbSNP rs199820492, ClinGen allele CA9205875.

ClinVar aggregate classification (germline): Likely benign. Review status: criteria provided, multiple submitters, no conflicts (2 of 4 stars). 2 submissions from 2 submitters: Likely benign (2). Last evaluated 2025-04-28.

Allele frequency attached by ClinVar (database versions not stated): gnomAD 0.00002; ExAC 0.00003; gnomAD exomes 0.00003; TOPMed 0.00004; ESP Exome Variant Server 0.00008.
gnomAD v4.1: 50 of 1,613,740 alleles (0.0031%); highest among the groups gnomAD compares: Middle Eastern, 0.016%; no homozygotes.

Submissions (2):

Labcorp Genetics (formerly Invitae), Labcorp
Classification: Likely benign. Last evaluated: 2025-04-28. Review status: criteria provided, single submitter. Criteria: Invitae Variant Classification Sherloc (09022015). Collection method: clinical testing. Allele origin: germline.

CeGaT Center for Human Genetics Tuebingen
Classification: Likely benign. Last evaluated: 2022-09-01. Review status: criteria provided, single submitter. Criteria: CeGaT Center For Human Genetics Tuebingen Variant Classification Criteria Version 2. Collection method: clinical testing. Allele origin: germline. Affected: yes. Observed: 1 variant allele.
Comment: KANK2: BP4, BP7